The following is an entry in ClinVar:

ClinVar aggregate classification (germline): Uncertain significance (1 of 4 stars; one submission).

Submission:

Labcorp Genetics (formerly Invitae), Labcorp
Classification: Uncertain significance. Last evaluated: 2022-09-22. Review status: criteria provided, single submitter. Criteria: Invitae Variant Classification Sherloc (09022015). Collection method: clinical testing. Allele origin: germline.
Comment: This variant has not been reported in the literature in individuals affected with MICAL1-related conditions. This variant is not present in population databases (gnomAD no frequency). This sequence change replaces asparagine, which is neutral and polar, with isoleucine, which is neutral and non-polar, at codon 469 of the MICAL1 protein (p.Asn469Ile). Algorithms developed to predict the effect of missense changes on protein structure and function are either unavailable or do not agree on the potential impact of this missense change (SIFT: "Deleterious"; PolyPhen-2: "Probably Damaging"; Align-GVGD: "Class C15"). In summary, the available evidence is currently insufficient to determine the role of this variant in disease. Therefore, it has been classified as a Variant of Uncertain Significance.

NM_022765.4(MICAL1):c.1349A>T (p.Asn450Ile)

Gene: MICAL1 (microtubule associated monooxygenase, calponin and LIM domain containing 1; minus strand). Cytogenetic location: 6q21.
Variant type: single nucleotide variant.
Coding change: c.1349A>T on transcript NM_022765.4 (MANE Select); coding-DNA position 1349, A replaced by T.
Protein change: p.Asn450Ile; replaces asparagine 450 with isoleucine.
Molecular consequence: missense variant.
Genome position (GRCh38, 1-based): chr6:109,449,742, T>A on the plus strand (A>T on the coding strand, the complement: MICAL1 is on the minus strand). VCF-style: chr6-109449742-T-A. GRCh37 (hg19) VCF-style: chr6-109770945-T-A.
Other names: c.1091A>T, p.Asn364Ile (NM_001159291.2); c.1406A>T, p.Asn469Ile (NM_001286613.2); short protein forms N364I, N450I, N469I.
Identifiers: ClinVar variation 2001496 (VCV002001496.4), dbSNP rs2482796819, ClinGen allele CA365230259.